The following is an entry in ClinVar:

ClinVar aggregate classification (germline): Uncertain significance (1 of 4 stars; one submission).

Allele frequency attached by ClinVar (database versions not stated): gnomAD exomes below 0.00001; TOPMed below 0.00001.

Submission:

GeneDx
Classification: Uncertain significance. Last evaluated: 2012-09-10. Review status: criteria provided, single submitter. Criteria: GeneDx Variant Classification (06012015). Collection method: clinical testing. Allele origin: germline. Affected: yes.
Comment: p.Ser187Pro c.559 TCC>CCC in exon 6 of the EMD gene (NM_000117.2): the Ser187Pro variant in the EMD gene has not been reported as a disease-causing mutation or as a benign polymorphism to our knowledge. Ser187Pro results in a non-conservative amino acid substitution of neutral, polar Serine with a non-polar Proline at a position that is not uniformly conserved across species. Mutations affecting a nearby codon (Pro183His, Pro183Thr) have been reported in association with Emery-Dreifuss muscular dystrophy, supporting the functional importance of this region of the protein. The NHLBI ESP Exome Variant Server reports Ser187Pro was not observed in approximately 6,000 samples from individuals of European and African American backgrounds, indicating it is not a common benign variant in these populations. In summary, the clinical significance of the Ser187Pro variant in the EMD gene is currently unknown. The variant is found in DCM panel(s).

NM_000117.3(EMD):c.559T>C (p.Ser187Pro)

Gene: EMD (emerin; plus strand). Cytogenetic location: Xq28.
Variant type: single nucleotide variant.
Coding change: c.559T>C on transcript NM_000117.3 (MANE Select); coding-DNA position 559, T replaced by C.
Protein change: p.Ser187Pro; replaces serine 187 with proline.
Molecular consequence: missense variant.
Genome position (GRCh38, 1-based): chrX:154,380,991, T>C. VCF-style: chrX-154380991-T-C. GRCh37 (hg19) VCF-style: chrX-153609351-T-C.
Other names: p.S187P:TCC>CCC; short protein forms S187P.
Identifiers: ClinVar variation 201774 (VCV000201774.2), dbSNP rs794729012, ClinGen allele CA335150.
Genomic context (GRCh38, chrX:154,380,991, plus strand): 5'-TACCGCCCTGTTTCAGCCTCCAGGAGCTCCCTGGACCTGTCCTATTATCCTACTTCCTCC[T>C]CCACCTCTTTTATGTCCTCCTCATCATCTTCCTCTTCATGGCTCACCCGCCGTGCCATCC-3'
Protein context (NP_000108.1, residues 177-197): LDLSYYPTSS[Ser187Pro]TSFMSSSSSS